The following is an entry in ClinVar:

ClinVar aggregate classification (germline): Benign/Likely benign. Review status: criteria provided, multiple submitters, no conflicts (2 of 4 stars). 3 submissions from 3 submitters: Benign (2); Likely benign (1). Last evaluated 2024-07-01.

Allele frequency attached by ClinVar (database versions not stated): 1000 Genomes Project 0.00180; 1000 Genomes Project 30x 0.00187; ESP Exome Variant Server 0.00477; gnomAD 0.00500 and 0.00565; TOPMed 0.00576.
gnomAD v4.1: 10,081 of 1,600,976 alleles (0.63%); highest among the groups gnomAD compares: Non-Finnish European, 0.76%; 42 homozygotes.

Submissions (3):

CeGaT Center for Human Genetics Tuebingen
Classification: Likely benign. Last evaluated: 2024-07-01. Review status: criteria provided, single submitter. Criteria: CeGaT Center For Human Genetics Tuebingen Variant Classification Criteria Version 2. Collection method: clinical testing. Allele origin: germline. Affected: yes. Observed: 1 variant allele.
Comment: ALCAM: BP4, BS2

Labcorp Genetics (formerly Invitae), Labcorp
Classification: Benign. Last evaluated: 2019-12-31. Review status: criteria provided, single submitter. Criteria: Invitae Variant Classification Sherloc (09022015). Collection method: clinical testing. Allele origin: germline.

Breakthrough Genomics
Classification: Benign. Review status: criteria provided, single submitter. Criteria: ACMG Guidelines, 2015. Collection method: not provided. Allele origin: germline. Inheritance: Unknown mechanism. Affected: yes.

NM_001627.4(ALCAM):c.1524C>T (p.His508=)

Gene: ALCAM (activated leukocyte cell adhesion molecule; plus strand). Cytogenetic location: 3q13.11.
Variant type: single nucleotide variant.
Coding change: c.1524C>T on transcript NM_001627.4 (MANE Select); coding-DNA position 1524, C replaced by T.
Protein change: p.His508=; no amino-acid change (histidine 508 retained).
Molecular consequence: synonymous variant. On other transcripts: intron variant (1).
Genome position (GRCh38, 1-based): chr3:105,552,160, C>T. VCF-style: chr3-105552160-C-T. GRCh37 (hg19) VCF-style: chr3-105271004-C-T.
Other names: c.1524C>T, p.His508= (NM_001243281.2); c.1508-308C>T (NM_001243280.2).
Identifiers: ClinVar variation 773182 (VCV000773182.22), dbSNP rs75636202, ClinGen allele CA2524259.